The following is an entry in ClinVar:

ClinVar aggregate classification (germline): Uncertain significance (1 of 4 stars; one submission).

Submission:

Labcorp Genetics (formerly Invitae), Labcorp
Classification: Uncertain significance. Last evaluated: 2025-09-24. Review status: criteria provided, single submitter. Criteria: Invitae Variant Classification Sherloc (09022015). Collection method: clinical testing. Allele origin: germline.
Comment: This sequence change replaces glutamine, which is neutral and polar, with histidine, which is basic and polar, at codon 53 of the NR2F1 protein (p.Gln53His). This variant is not present in population databases (gnomAD no frequency). This variant has not been reported in the literature in individuals affected with NR2F1-related conditions. Invitae Evidence Modeling of protein sequence and biophysical properties (such as structural, functional, and spatial information, amino acid conservation, physicochemical variation, residue mobility, and thermodynamic stability) indicates that this missense variant is not expected to disrupt NR2F1 protein function with a negative predictive value of 80%. In summary, the available evidence is currently insufficient to determine the role of this variant in disease. Therefore, it has been classified as a Variant of Uncertain Significance.

NM_005654.6(NR2F1):c.159G>C (p.Gln53His)

Genes: NR2F1 (nuclear receptor subfamily 2 group F member 1; plus strand), NR2F1-AS1 (NR2F1 regulatory antisense RNA 1; minus strand). Cytogenetic location: 5q15.
Variant type: single nucleotide variant.
Coding change: c.159G>C on transcript NM_005654.6 (MANE Select); coding-DNA position 159, G replaced by C.
Protein change: p.Gln53His; replaces glutamine 53 with histidine.
Molecular consequence: missense variant.
Genome position (GRCh38, 1-based): chr5:93,585,182, G>C. VCF-style: chr5-93585182-G-C. GRCh37 (hg19) VCF-style: chr5-92920888-G-C.
Other names: short protein forms Q53H.
Identifiers: ClinVar variation 4801427 (VCV004801427.1).